The following is an entry in ClinVar:

ClinVar aggregate classification (germline): Uncertain significance (1 of 4 stars; one submission).

Submission:

Labcorp Genetics (formerly Invitae), Labcorp
Classification: Uncertain significance. Last evaluated: 2024-10-11. Review status: criteria provided, single submitter. Criteria: Invitae Variant Classification Sherloc (09022015). Collection method: clinical testing. Allele origin: germline.
Comment: This sequence change affects codon 120 of the NOG mRNA. It is a 'silent' change, meaning that it does not change the encoded amino acid sequence of the NOG protein. This variant is not present in population databases (gnomAD no frequency). This variant has not been reported in the literature in individuals affected with NOG-related conditions. In summary, the available evidence is currently insufficient to determine the role of this variant in disease. Therefore, it has been classified as a Variant of Uncertain Significance.

NM_005450.6(NOG):c.360C>A (p.Ile120=)

Gene: NOG (noggin; plus strand). Cytogenetic location: 17q22.
Variant type: single nucleotide variant.
Coding change: c.360C>A on transcript NM_005450.6 (MANE Select); coding-DNA position 360, C replaced by A.
Protein change: p.Ile120=; no amino-acid change (isoleucine 120 retained).
Molecular consequence: synonymous variant.
Genome position (GRCh38, 1-based): chr17:56,594,583, C>A. VCF-style: chr17-56594583-C-A. GRCh37 (hg19) VCF-style: chr17-54671944-C-A.
Identifiers: ClinVar variation 3648550 (VCV003648550.2).